The following is an entry in ClinVar:

NM_004380.3(CREBBP):c.6119T>A (p.Ile2040Lys)

Gene: CREBBP (CREB binding lysine acetyltransferase; minus strand). Cytogenetic location: 16p13.3.
Variant type: single nucleotide variant.
Coding change: c.6119T>A on transcript NM_004380.3 (MANE Select); coding-DNA position 6119, T replaced by A.
Protein change: p.Ile2040Lys; replaces isoleucine 2040 with lysine.
Molecular consequence: missense variant.
Genome position (GRCh38, 1-based): chr16:3,728,928, A>T on the plus strand (T>A on the coding strand, the complement: CREBBP is on the minus strand). VCF-style: chr16-3728928-A-T. GRCh37 (hg19) VCF-style: chr16-3778929-A-T.
Other names: c.6005T>A, p.Ile2002Lys (NM_001079846.1); short protein forms I2002K, I2040K.
Identifiers: ClinVar variation 2631171 (VCV002631171.1), dbSNP rs766580125, ClinGen allele CA7869181.
Genomic context (GRCh38, chr16:3,728,928, plus strand): 5'-CTGGGTGGCTGCACGCTGGGCATCCGGGGCCCAGCCACGGCCGCCTGGGCCTGCATGGAT[A>T]TCACAGGCCTGGGCAAGCCTGGCATGGGCTGCTGCTGGGGAAGGGGCGCCTGCTGCCACT-3'
Protein context (NP_004371.2, residues 2030-2050): QPMPGLPRPV[Ile2040Lys]SMQAQAAVAG

ClinVar aggregate classification (germline): Uncertain significance (1 of 4 stars; one submission).

Conditions:
CREBBP-related disorder. Also called: CREBBP-related condition; CREBBP-related disorders.

Allele frequency attached by ClinVar (database versions not stated): gnomAD exomes below 0.00001; ExAC 0.00001.
gnomAD v4.1: 1 of 1,604,550 alleles (0.000062%); highest among the groups gnomAD compares: South Asian, 0.0011%; no homozygotes.

Submission:

PreventionGenetics, part of Exact Sciences
Classification: Uncertain significance for CREBBP-related condition. Last evaluated: 2023-09-15. Review status: criteria provided, single submitter. Criteria: ACMG Guidelines, 2015. Collection method: clinical testing. Allele origin: germline.
Comment: The CREBBP c.6119T>A variant is predicted to result in the amino acid substitution p.Ile2040Lys. To our knowledge, this variant has not been reported in the literature. This variant is reported in 0.0033% of alleles in individuals of South Asian descent in gnomAD. At this time, the clinical significance of this variant is uncertain due to the absence of conclusive functional and genetic evidence.